The following is an entry in ClinVar:

NC_012920.1(MT-TT):m.15938C>T

Gene: MT-TT (mitochondrially encoded tRNA threonine; plus strand).
Variant type: single nucleotide variant.
Genome position: chrM-15938-C-T.
Identifiers: ClinVar variation 690248 (VCV000690248.1), dbSNP rs200572753, ClinGen allele CA337100593.

ClinVar aggregate classification (germline): Benign (1 of 4 stars; one submission).

Conditions:
MELAS syndrome (MELAS). Also called: Juvenile myopathy, encephalopathy, lactic acidosis, stroke. Identifiers: Orphanet 550, MedGen C0162671, MONDO:0010789, OMIM 540000.

Submission:

Wong Mito Lab, Molecular and Human Genetics, Baylor College of Medicine
Classification: Benign for MELAS syndrome. Last evaluated: 2019-07-12. Review status: criteria provided, single submitter. Criteria: Modified ACMG Guidelines (Unpublished). Collection method: clinical testing. Allele origin: germline.
Comment: The NC_012920.1:m.15938C>T variant in MT-TT gene is interpreted to be a Benign variant based on the modified ACMG guidelines (unpublished). This variant meets the following evidence codes reported in the guidelines: BS1, BS4, BP4

Literature cited by the submitters: PubMed 31965079.